The following is an entry in ClinVar:

ClinVar aggregate classification (germline): Conflicting classifications of pathogenicity. Review status: criteria provided, conflicting classifications (1 of 4 stars). 7 submissions from 7 submitters: Uncertain significance (3); Likely benign (3). 1 of the submissions does not count toward it. Last evaluated 2026-05-01.

Conditions:
Bamforth-Lazarus syndrome. Identifiers: Orphanet 1226, MedGen C1855794, MONDO:0009437, OMIM 241850.
Thyroid cancer, nonmedullary, 4 (NMTC4). Identifiers: MedGen C4225293, MONDO:0014681, OMIM 616534.
FOXE1-related disorder. Also called: FOXE1-related condition.

Allele frequency attached by ClinVar (database versions not stated): gnomAD exomes 0.00197; gnomAD 0.00247; TOPMed 0.00291; ExAC 0.00532; 1000 Genomes Project 30x 0.00031; 1000 Genomes Project 0.00040.
gnomAD v4.1: 5,825 of 1,402,532 alleles (0.42%); highest among the groups gnomAD compares: Non-Finnish European, 0.49%; 13 homozygotes.

Submissions (7):

CeGaT Center for Human Genetics Tuebingen
Classification: Uncertain significance. Last evaluated: 2026-05-01. Review status: criteria provided, single submitter. Criteria: CeGaT Center For Human Genetics Tuebingen Variant Classification Criteria Version 2. Collection method: clinical testing. Allele origin: germline. Affected: yes. Observed: 3 variant alleles.
Comment: FOXE1: PP3, PS3:Supporting, BS1:Supporting

PreventionGenetics, part of Exact Sciences
Classification: Likely benign for FOXE1-related condition. Last evaluated: 2025-07-29. Review status: criteria provided, single submitter. Criteria: ACMG Guidelines, 2015. Collection method: clinical testing. Allele origin: germline.
Comment: This variant is classified as likely benign based on ACMG/AMP sequence variant interpretation guidelines (Richards et al. 2015 PMID: 25741868, with internal and published modifications).

Women's Health and Genetics/Laboratory Corporation of America, LabCorp
Classification: Likely benign. Last evaluated: 2024-11-18. Review status: criteria provided, single submitter. Criteria: LabCorp Variant Classification Summary - May 2015. Collection method: clinical testing. Allele origin: germline.
Comment: Variant summary: FOXE1 c.743C>G (p.Ala248Gly) results in a non-conservative amino acid change in the encoded protein sequence. Four of five in-silico tools predict a benign effect of the variant on protein function. The variant allele was found at a frequency of 0.0022 in 60784 control chromosomes, predominantly at a frequency of 0.0036 within the Non-Finnish European subpopulation in the gnomAD database, including one homozygote. The observed variant frequency within Non-Finnish European control individuals in the gnomAD database exceeds the estimated maximal expected allele frequency for a pathogenic variant in FOXE1 causing Bamforth-Lazarus Syndrome phenotype. The variant, c.743C>G has been reported in the literature in heterozygous state to segregate with non-medullary thyroid carcinoma (NMTC) in a family, and was also identified in a sporadic case of NMTC, although no other loci associated with NMTC were assessed (Pereira_2015). The variant has also been reported heterozygous state in other individuals affected with primary congenital hypothyroidism (e.g., Choukair_2020, deFilippis_2017), however without strong evidence for causality (e.g., co-occurrence with other potentially causative variants and lack of co-segregation data). These reports therefore do not allow conclusions about association of the variant with disease. At least one publication reported experimental evidence evaluating an impact on protein function, finding that the variant results in significantly increased cell proliferation and migration, and resulted in significantly increased WNT5A expression in vitro (Pereira_2015). The following publications have been ascertained in the context of this evaluation (PMID: 32428920, 25381600, 28444304). ClinVar contains an entry for this variant (Variation ID: 208453). Based on the evidence outlined above, the variant was classified as likely benign.

Mendelics
Classification: Likely benign for Bamforth-Lazarus syndrome. Last evaluated: 2024-04-09. Review status: criteria provided, single submitter. Criteria: ACMG Guidelines, 2015. Collection method: clinical testing. Allele origin: unknown.

Department of Pathology and Laboratory Medicine, Sinai Health System
Classification: Uncertain significance for Bamforth-Lazarus syndrome; Thyroid cancer, nonmedullary, 4. Last evaluated: 2023-07-26. Review status: criteria provided, single submitter. Criteria: ACMG Guidelines, 2015. Collection method: research. Allele origin: germline.

Revvity Omics, Revvity
Classification: Uncertain significance for Bamforth-Lazarus syndrome. Last evaluated: 2019-07-23. Review status: criteria provided, single submitter. Criteria: ACMG Guidelines, 2015. Collection method: clinical testing. Allele origin: germline.

OMIM
Classification: Pathogenic for THYROID CANCER, NONMEDULLARY, 4. Last evaluated: 2015-05-01. Review status: no assertion criteria provided. Collection method: literature only. Allele origin: germline. Not counted in ClinVar's aggregate classification.

Literature cited by the submitters: PubMed 28444304 (cited by Women's Health and Genetics/Laboratory Corporation of America, LabCorp); PubMed 32428920 (cited by Women's Health and Genetics/Laboratory Corporation of America, LabCorp); PubMed 25381600 (cited by Women's Health and Genetics/Laboratory Corporation of America, LabCorp and OMIM).

NM_004473.4(FOXE1):c.743C>G (p.Ala248Gly)

Gene: FOXE1 (forkhead box E1; plus strand). Cytogenetic location: 9q22.33.
Variant type: single nucleotide variant.
Coding change: c.743C>G on transcript NM_004473.4 (MANE Select); coding-DNA position 743, C replaced by G.
Protein change: p.Ala248Gly; replaces alanine 248 with glycine.
Molecular consequence: missense variant.
Genome position (GRCh38, 1-based): chr9:97,854,657, C>G. VCF-style: chr9-97854657-C-G. GRCh37 (hg19) VCF-style: chr9-100616939-C-G.
Other names: c.743C>G (NM_004473.3); short protein forms A248G.
Identifiers: ClinVar variation 208453 (VCV000208453.23), dbSNP rs538912281, ClinGen allele CA204453.